The following is an entry in ClinVar:

NM_015267.4(CUX2):c.167T>C (p.Val56Ala)

Gene: CUX2 (cut like homeobox 2; plus strand). Cytogenetic location: 12q24.11.
Variant type: single nucleotide variant.
Coding change: c.167T>C on transcript NM_015267.4 (MANE Select); coding-DNA position 167, T replaced by C.
Protein change: p.Val56Ala; replaces valine 56 with alanine.
Molecular consequence: missense variant. On other transcripts: 5 prime UTR variant (1).
Genome position (GRCh38, 1-based): chr12:111,214,303, T>C. VCF-style: chr12-111214303-T-C. GRCh37 (hg19) VCF-style: chr12-111652107-T-C.
Other names: c.-20T>C (NM_001370598.1); short protein forms V56A.
Identifiers: ClinVar variation 2585334 (VCV002585334.1), dbSNP rs1881409057, ClinGen allele CA386919632.

ClinVar aggregate classification (germline): Uncertain significance (1 of 4 stars; one submission).

Conditions:
Developmental and epileptic encephalopathy, 67. Also called: EPILEPTIC ENCEPHALOPATHY, EARLY INFANTILE, 67. Identifiers: MedGen C4748341, MONDO:0029138, OMIM 618141.

gnomAD v4.1: 3 of 1,569,838 alleles (0.00019%); highest among the groups gnomAD compares: South Asian, 0.0023%; no homozygotes.

Submission:

Neuberg Centre For Genomic Medicine, NCGM
Classification: Uncertain significance for Developmental and epileptic encephalopathy, 67. Review status: criteria provided, single submitter. Criteria: ACMG Guidelines, 2015. Collection method: clinical testing. Allele origin: germline. Inheritance: Autosomal dominant inheritance. Affected: yes.
Comment: The missense c.167T>C(p.Val56Ala) variant in CUX2 gene has not been reported previously as a pathogenic variant nor as a benign variant, to our knowledge. The p.Val56Ala variant is novel (not in any individuals) in gnomAD Exomes and 1000 Genomes. The amino acid Val at position 56 is changed to a Ala changing protein sequence and it might alter its composition and physico-chemical properties. The variant is predicted to be damaging by PolyPhen2 and the residue is conserved across species. The amino acid change p.Val56Ala in CUX2 is predicted as conserved by GERP++ and PhyloP across 100 vertebrates. For these reasons, this variant has been classified as Uncertain Significance.